The following is an entry in ClinVar:

NM_006231.4(POLE):c.1888A>G (p.Met630Val)

Gene: POLE (DNA polymerase epsilon, catalytic subunit; minus strand). Cytogenetic location: 12q24.33.
Variant type: single nucleotide variant.
Coding change: c.1888A>G on transcript NM_006231.4 (MANE Select); coding-DNA position 1888, A replaced by G.
Protein change: p.Met630Val; replaces methionine 630 with valine.
Molecular consequence: missense variant.
Genome position (GRCh38, 1-based): chr12:132,668,846, T>C on the plus strand (A>G on the coding strand, the complement: POLE is on the minus strand). VCF-style: chr12-132668846-T-C. GRCh37 (hg19) VCF-style: chr12-133245432-T-C.
Other names: c.1888A>G (NM_006231.2); short protein forms M630V.
Identifiers: ClinVar variation 540710 (VCV000540710.9), dbSNP rs1555227390, ClinGen allele CA387355340.

ClinVar aggregate classification (germline): Uncertain significance. Review status: criteria provided, multiple submitters, no conflicts (2 of 4 stars). 2 submissions from 2 submitters: Uncertain significance (2). Last evaluated 2025-05-11.

Conditions:
Hereditary cancer-predisposing syndrome. Also called: Neoplastic Syndromes, Hereditary; Hereditary Cancer Syndrome; Hereditary neoplastic syndrome; Tumor predisposition. Identifiers: Orphanet 140162, MedGen C0027672, MeSH D009386, MONDO:0015356.

Allele frequency attached by ClinVar (database versions not stated): gnomAD exomes below 0.00001.
gnomAD v4.1: 1 of 1,614,088 alleles (0.000062%); highest among the groups gnomAD compares: Non-Finnish European, 0.000085%; no homozygotes.

Submissions (2):

Labcorp Genetics (formerly Invitae), Labcorp
Classification: Uncertain significance. Last evaluated: 2025-05-11. Review status: criteria provided, single submitter. Criteria: Invitae Variant Classification Sherloc (09022015). Collection method: clinical testing. Allele origin: germline.
Comment: This sequence change replaces methionine, which is neutral and non-polar, with valine, which is neutral and non-polar, at codon 630 of the POLE protein (p.Met630Val). This variant is not present in population databases (gnomAD no frequency). This variant has not been reported in the literature in individuals affected with POLE-related conditions. ClinVar contains an entry for this variant (Variation ID: 540710). Invitae Evidence Modeling of protein sequence and biophysical properties (such as structural, functional, and spatial information, amino acid conservation, physicochemical variation, residue mobility, and thermodynamic stability) indicates that this missense variant is expected to disrupt POLE protein function with a positive predictive value of 80%. In summary, the available evidence is currently insufficient to determine the role of this variant in disease. Therefore, it has been classified as a Variant of Uncertain Significance.

Ambry Genetics
Classification: Uncertain significance for Hereditary cancer-predisposing syndrome. Last evaluated: 2024-09-19. Review status: criteria provided, single submitter. Criteria: Ambry Variant Classification Scheme 2023. Collection method: clinical testing. Allele origin: germline.
Comment: The p.M630V variant (also known as c.1888A>G), located in coding exon 17 of the POLE gene, results from an A to G substitution at nucleotide position 1888. The methionine at codon 630 is replaced by valine, an amino acid with highly similar properties. This amino acid position is conserved. In addition, this alteration is predicted to be deleterious by in silico analysis. Based on the available evidence, the clinical significance of this variant remains unclear.